The following is an entry in ClinVar:

ClinVar aggregate classification (germline): Uncertain significance (1 of 4 stars; one submission).

Conditions:
Inborn genetic diseases. Identifiers: MedGen C0950123, MeSH D030342.

gnomAD v4.1: 6 of 1,561,570 alleles (0.00038%); highest among the groups gnomAD compares: East Asian, 0.0045%; no homozygotes.

Submission:

Ambry Genetics
Classification: Uncertain significance for Inborn genetic diseases. Last evaluated: 2026-03-17. Review status: criteria provided, single submitter. Criteria: Ambry Variant Classification Scheme 2023. Collection method: clinical testing. Allele origin: germline.
Comment: The c.1817A>G (p.K606R) alteration is located in exon 17 (coding exon 13) of the KRIT1 gene. This alteration results from a A to G substitution at nucleotide position 1817, causing the lysine (K) at amino acid position 606 to be replaced by an arginine (R). Based on data from gnomAD, the G allele has an overall frequency of <0.001% (1/251182) total alleles studied. The highest observed frequency was 0.003% (1/30606) of South Asian alleles. Based on insufficient or conflicting evidence, the clinical significance of this alteration remains unclear.

NM_194454.3(KRIT1):c.1817A>G (p.Lys606Arg)

Gene: KRIT1 (KRIT1 ankyrin repeat containing; minus strand). Cytogenetic location: 7q21.2.
Variant type: single nucleotide variant.
Coding change: c.1817A>G on transcript NM_194454.3 (MANE Select); coding-DNA position 1817, A replaced by G.
Protein change: p.Lys606Arg; replaces lysine 606 with arginine.
Molecular consequence: missense variant.
Genome position (GRCh38, 1-based): chr7:92,213,893, T>C on the plus strand (A>G on the coding strand, the complement: KRIT1 is on the minus strand). VCF-style: chr7-92213893-T-C. GRCh37 (hg19) VCF-style: chr7-91843207-T-C.
Other names: c.1673A>G, p.Lys558Arg (NM_001013406.2, NM_001350669.1, NM_001350670.1); c.1103A>G, p.Lys368Arg (NM_001350671.1); c.1817A>G, p.Lys606Arg (NM_001350672.1, NM_001350673.1, NM_001350674.1 and 26 more transcripts); short protein forms K368R, K558R, K606R.
Identifiers: ClinVar variation 4859029 (VCV004859029.1).
Genomic context (GRCh38, chr7:92,213,893, plus strand): 5'-CACTAACAAAGTTTCAACTAGCCTATAAAATGTCTTTTCATTTCTATTAAACAGCTTACC[T>C]TGTATTCATGAAGTATGCGATTTGTCCAGTGAGGTGCCTTACTTTTCAGTTTGGTAACAG-3'
Protein context (NP_919436.1, residues 596-616): HWTNRILHEY[Lys606Arg]NLSTSEGVSK